The following is an entry in ClinVar:

ClinVar aggregate classification (germline): Likely pathogenic (1 of 4 stars; one submission).

Conditions:
Developmental and epileptic encephalopathy 94 (DEE94). Also called: CHD2-Related Neurodevelopmental Disorders; Epileptic encephalopathy, childhood-onset. Identifiers: Orphanet 1942, Orphanet 2382, MedGen C3809278, MONDO:0014150, OMIM 615369.

Submission:

3billion
Classification: Likely pathogenic for Developmental and epileptic encephalopathy 94. Last evaluated: 2022-09-01. Review status: criteria provided, single submitter. Criteria: ACMG Guidelines, 2015. Collection method: clinical testing. Allele origin: germline. Affected: yes. Observed: 1 heterozygote.
Comment: The variant is not observed in the gnomAD v2.1.1 dataset. Frameshift variant is predicted to result in a loss or disruption of normal protein function through nonsense-mediated decay (NMD) or protein truncation. Multiple pathogenic variants are reported downstream of the variant. Therefore, this variant is classified as Likely pathogenic according to the recommendation of ACMG/AMP guideline.

NM_001271.4(CHD2):c.1898dup (p.Ile634fs)

Gene: CHD2 (chromodomain helicase DNA binding protein 2; plus strand). Cytogenetic location: 15q26.1.
Variant type: Duplication.
Coding change: c.1898dup on transcript NM_001271.4 (MANE Select); coding-DNA position 1898, one base duplicated (T; older notation c.1898dupT).
Protein change: p.Ile634fs; shifts the reading frame from isoleucine 634.
Molecular consequence: frameshift variant.
Genome position (GRCh38, 1-based): chr15:92,956,547, T duplicated. VCF-style (leftmost placement, unchanged base first): chr15-92956546-C-CT. GRCh37 (hg19) VCF-style: chr15-93499776-C-CT.
Other names: short protein forms I634fs.
Identifiers: ClinVar variation 1705613 (VCV001705613.1), dbSNP rs2505488406, ClinGen allele CA2580090332.